The following is an entry in ClinVar:

ClinVar aggregate classification (germline): Pathogenic (1 of 4 stars; one submission).

Conditions:
Severe combined immunodeficiency, autosomal recessive, T cell-negative, B cell-negative, NK cell-positive. Also called: SCID, T CELL-NEGATIVE, B CELL-NEGATIVE, NK CELL-POSITIVE; SCID, AR, T-cell negative, B-cell negative, NK cell-positive; Severe combined immunodeficiency due to complete RAG1/2 deficiency. Identifiers: Orphanet 331206, MedGen C1832322, MONDO:0011086, OMIM 601457.
Combined immunodeficiency with skin granulomas. Identifiers: Orphanet 157949, MedGen C2673536, MONDO:0009306, OMIM 233650.

Submission:

Labcorp Genetics (formerly Invitae), Labcorp
Classification: Pathogenic for Combined immunodeficiency with skin granulomas; Severe combined immunodeficiency, autosomal recessive, T cell-negative, B cell-negative, NK cell-positive. Last evaluated: 2023-02-08. Review status: criteria provided, single submitter. Criteria: Invitae Variant Classification Sherloc (09022015). Collection method: clinical testing. Allele origin: germline.
Comment: For these reasons, this variant has been classified as Pathogenic. This variant disrupts a region of the RAG1 protein in which other variant(s) (p.His994Arg) have been determined to be pathogenic (PMID: 33193364; Invitae). This suggests that this is a clinically significant region of the protein, and that variants that disrupt it are likely to be disease-causing. This variant has not been reported in the literature in individuals affected with RAG1-related conditions. This variant is not present in population databases (gnomAD no frequency). This sequence change creates a premature translational stop signal (p.Gly220Aspfs*44) in the RAG1 gene. While this is not anticipated to result in nonsense mediated decay, it is expected to disrupt the last 824 amino acid(s) of the RAG1 protein.

Literature cited by the submitters: PubMed 33193364.

NM_000448.3(RAG1):c.659del (p.Gly220fs)

Gene: RAG1 (recombination activating 1; plus strand). Cytogenetic location: 11p12.
Variant type: Deletion.
Coding change: c.659del on transcript NM_000448.3 (MANE Select); coding-DNA position 659, one base deleted (G; older notation c.659delG).
Protein change: p.Gly220fs; shifts the reading frame from glycine 220.
Molecular consequence: frameshift variant.
Genome position (GRCh38, 1-based): chr11:36,573,963, G deleted; the last of 4 consecutive G bases (chr11:36,573,960-36,573,963); deleting any one gives the same sequence. VCF-style (leftmost placement, unchanged base first): chr11-36573959-CG-C. GRCh37 (hg19) VCF-style: chr11-36595509-CG-C.
Other names: c.659del, p.Gly220fs (NM_001377277.1, NM_001377278.1, NM_001377279.1 and 1 more transcripts); short protein forms G220fs.
Identifiers: ClinVar variation 2944033 (VCV002944033.3), dbSNP rs1850791903, ClinGen allele CA1964211672.